The following is an entry in ClinVar:

NM_018129.4(PNPO):c.112C>A (p.Arg38Ser)

Gene: PNPO (pyridoxamine 5'-phosphate oxidase; plus strand). Cytogenetic location: 17q21.32.
Variant type: single nucleotide variant.
Coding change: c.112C>A on transcript NM_018129.4 (MANE Select); coding-DNA position 112, C replaced by A.
Protein change: p.Arg38Ser; replaces arginine 38 with serine.
Molecular consequence: missense variant.
Genome position (GRCh38, 1-based): chr17:47,941,787, C>A. VCF-style: chr17-47941787-C-A. GRCh37 (hg19) VCF-style: chr17-46019153-C-A.
Other names: short protein forms R38S.
Identifiers: ClinVar variation 1438880 (VCV001438880.4), dbSNP rs866454740, ClinGen allele CA291293166.

ClinVar aggregate classification (germline): Uncertain significance (1 of 4 stars; one submission).

Conditions:
Pyridoxal phosphate-responsive seizures (PNPOD). Also called: Pyridoxamine 5-Prime-Phosphate Oxidase Deficiency; Pyridoxine-5'-phosphate oxidase deficiency; EPILEPTIC ENCEPHALOPATHY, NEONATAL, PNPO-RELATED; SEIZURES, PYRIDOXINE-RESISTANT, PLP-SENSITIVE; Pyridoxal 5'-Phosphate (PLP)-Dependent Epilepsy. Identifiers: Orphanet 79096, MedGen C1864723, MONDO:0012407, OMIM 610090. Disease mechanism: loss of function.

gnomAD v4.1: 10 of 1,569,994 alleles (0.00064%); highest among the groups gnomAD compares: East Asian, 0.019%; no homozygotes.

Submission:

Labcorp Genetics (formerly Invitae), Labcorp
Classification: Uncertain significance for Pyridoxal phosphate-responsive seizures. Last evaluated: 2022-08-16. Review status: criteria provided, single submitter. Criteria: Invitae Variant Classification Sherloc (09022015). Collection method: clinical testing. Allele origin: germline.
Comment: This sequence change replaces arginine, which is basic and polar, with serine, which is neutral and polar, at codon 38 of the PNPO protein (p.Arg38Ser). The frequency data for this variant in the population databases is considered unreliable, as metrics indicate poor data quality at this position in the gnomAD database. This variant has not been reported in the literature in individuals affected with PNPO-related conditions. ClinVar contains an entry for this variant (Variation ID: 1438880). Algorithms developed to predict the effect of missense changes on protein structure and function are either unavailable or do not agree on the potential impact of this missense change (SIFT: "Tolerated"; PolyPhen-2: "Probably Damaging"; Align-GVGD: "Class C0"). In summary, the available evidence is currently insufficient to determine the role of this variant in disease. Therefore, it has been classified as a Variant of Uncertain Significance.